The following is an entry in ClinVar:

ClinVar aggregate classification (germline): Uncertain significance (1 of 4 stars; one submission).

gnomAD v4.1: 10 of 1,614,026 alleles (0.00062%); highest among the groups gnomAD compares: African/African-American, 0.0013%; no homozygotes.

Submission:

Mayo Clinic Laboratories, Mayo Clinic
Classification: Uncertain significance. Last evaluated: 2025-10-11. Review status: criteria provided, single submitter. Criteria: ACMG Guidelines, 2015. Collection method: clinical testing. Allele origin: germline. Observed: 1 variant allele.
Comment: BP4_moderate

NM_001199563.2(POPDC1):c.896C>T (p.Ser299Phe)

Gene: POPDC1 (popeye domain cAMP effector 1; minus strand). Cytogenetic location: 6q21.
Variant type: single nucleotide variant.
Coding change: c.896C>T on transcript NM_001199563.2 (MANE Select); coding-DNA position 896, C replaced by T.
Protein change: p.Ser299Phe; replaces serine 299 with phenylalanine.
Molecular consequence: missense variant.
Genome position (GRCh38, 1-based): chr6:105,115,748, G>A on the plus strand (C>T on the coding strand, the complement: POPDC1 is on the minus strand). VCF-style: chr6-105115748-G-A. GRCh37 (hg19) VCF-style: chr6-105563623-G-A.
Other names: p.Ser299Phe; c.896C>T, p.Ser299Phe (NM_007073.4, NM_147147.4); short protein forms S299F.
Identifiers: ClinVar variation 4541193 (VCV004541193.1).